The following is an entry in ClinVar:

NM_001385641.1(SAMD11):c.1760C>G (p.Ser587Cys)

Gene: SAMD11 (sterile alpha motif domain containing 11; plus strand). Cytogenetic location: 1p36.33.
Variant type: single nucleotide variant.
Coding change: c.1760C>G on transcript NM_001385641.1 (MANE Select); coding-DNA position 1760, C replaced by G.
Protein change: p.Ser587Cys; replaces serine 587 with cysteine.
Molecular consequence: missense variant.
Genome position (GRCh38, 1-based): chr1:942,765, C>G. VCF-style: chr1-942765-C-G. GRCh37 (hg19) VCF-style: chr1-878145-C-G.
Other names: c.1763C>G, p.Ser588Cys (NM_001385640.1); c.1271C>G, p.Ser424Cys (NM_152486.4); short protein forms S587C, S588C, S424C.
Identifiers: ClinVar variation 1473503 (VCV001473503.8), dbSNP rs761622868, ClinGen allele CA502989.

ClinVar aggregate classification (germline): Uncertain significance (1 of 4 stars; one submission).

Allele frequency attached by ClinVar (database versions not stated): TOPMed 0.00001; gnomAD exomes 0.00007; ExAC 0.00040.
gnomAD v4.1: 53 of 1,531,766 alleles (0.0035%); highest among the groups gnomAD compares: Middle Eastern, 0.038%; no homozygotes.

Submission:

Labcorp Genetics (formerly Invitae), Labcorp
Classification: Uncertain significance. Last evaluated: 2024-09-17. Review status: criteria provided, single submitter. Criteria: Invitae Variant Classification Sherloc (09022015). Collection method: clinical testing. Allele origin: germline.
Comment: This sequence change replaces serine, which is neutral and polar, with cysteine, which is neutral and slightly polar, at codon 424 of the SAMD11 protein (p.Ser424Cys). This variant is present in population databases (rs761622868, gnomAD 0.03%). This variant has not been reported in the literature in individuals affected with SAMD11-related conditions. ClinVar contains an entry for this variant (Variation ID: 1473503). An algorithm developed to predict the effect of missense changes on protein structure and function (PolyPhen-2) suggests that this variant is likely to be tolerated. In summary, the available evidence is currently insufficient to determine the role of this variant in disease. Therefore, it has been classified as a Variant of Uncertain Significance.